The following is an entry in ClinVar:

NM_021961.6(TEAD1):c.439C>T (p.Arg147Cys)

Gene: TEAD1 (TEA domain transcription factor 1; plus strand). Cytogenetic location: 11p15.3.
Variant type: single nucleotide variant.
Coding change: c.439C>T on transcript NM_021961.6 (MANE Select); coding-DNA position 439, C replaced by T.
Protein change: p.Arg147Cys; replaces arginine 147 with cysteine.
Molecular consequence: missense variant.
Genome position (GRCh38, 1-based): chr11:12,879,816, C>T. VCF-style: chr11-12879816-C-T. GRCh37 (hg19) VCF-style: chr11-12901363-C-T.
Other names: short protein forms R147C.
Identifiers: ClinVar variation 2074263 (VCV002074263.4), dbSNP rs371810508, ClinGen allele CA5891593.

ClinVar aggregate classification (germline): Uncertain significance (1 of 4 stars; one submission).

Allele frequency attached by ClinVar (database versions not stated): ESP Exome Variant Server 0.00008; gnomAD 0.00001; TOPMed 0.00001; ExAC 0.00004.
gnomAD v4.1: 35 of 1,613,812 alleles (0.0022%); highest among the groups gnomAD compares: South Asian, 0.0055%; no homozygotes.

Submission:

Labcorp Genetics (formerly Invitae), Labcorp
Classification: Uncertain significance. Last evaluated: 2023-04-26. Review status: criteria provided, single submitter. Criteria: Invitae Variant Classification Sherloc (09022015). Collection method: clinical testing. Allele origin: germline.
Comment: In summary, the available evidence is currently insufficient to determine the role of this variant in disease. Therefore, it has been classified as a Variant of Uncertain Significance. Advanced modeling of protein sequence and biophysical properties (such as structural, functional, and spatial information, amino acid conservation, physicochemical variation, residue mobility, and thermodynamic stability) performed at Invitae indicates that this missense variant is not expected to disrupt TEAD1 protein function. ClinVar contains an entry for this variant (Variation ID: 2074263). This variant has not been reported in the literature in individuals affected with TEAD1-related conditions. This variant is present in population databases (rs371810508, gnomAD 0.01%). This sequence change replaces arginine, which is basic and polar, with cysteine, which is neutral and slightly polar, at codon 147 of the TEAD1 protein (p.Arg147Cys).